The following is an entry in ClinVar:

NM_004839.4(HOMER2):c.388-25G>A

Gene: HOMER2 (homer scaffold protein 2; minus strand). Cytogenetic location: 15q25.2.
Variant type: single nucleotide variant.
Coding change: c.388-25G>A on transcript NM_004839.4 (MANE Select); 25 bases into the intron before coding-DNA position 388, G replaced by A.
Molecular consequence: intron variant. On other transcripts: synonymous variant (1).
Genome position (GRCh38, 1-based): chr15:82,859,160, C>T on the plus strand (G>A on the coding strand, the complement: HOMER2 is on the minus strand). VCF-style: chr15-82859160-C-T. GRCh37 (hg19) VCF-style: chr15-83527912-C-T.
Other names: c.396G>A, p.Gly132= (NM_199330.3).
Identifiers: ClinVar variation 1262878 (VCV001262878.8), dbSNP rs114358665, ClinGen allele CA7702169.
Genomic context (GRCh38, chr15:82,859,160, plus strand): 5'-GGCCTTTTCATCGTCCGTCCCGTTGACACTGGATGCCTGAGTAGAAGATGGGGTTTCACG[C>T]CCAGATTCCTGGCCAAAGTGAATTATCTTCACACGTTATTGCTTGTCTGCACATCGGCAG-3'

ClinVar aggregate classification (germline): Benign/Likely benign. Review status: criteria provided, multiple submitters, no conflicts (2 of 4 stars). 5 submissions from 5 submitters: Benign (2); Likely benign (2). 1 of the submissions does not count toward it. Last evaluated 2026-05-01.

Conditions:
HOMER2-related disorder. Also called: HOMER2-related condition.

Allele frequency attached by ClinVar (database versions not stated): gnomAD exomes 0.00019 and 0.00049; ExAC 0.00062; ESP Exome Variant Server 0.00197; gnomAD 0.00210 and 0.00223; TOPMed 0.00230; 1000 Genomes Project 0.00260; 1000 Genomes Project 30x 0.00281.
gnomAD v4.1: 611 of 1,613,882 alleles (0.038%); highest among the groups gnomAD compares: African/African-American, 0.74%; 4 homozygotes.

Submissions (5):

CeGaT Center for Human Genetics Tuebingen
Classification: Likely benign. Last evaluated: 2026-05-01. Review status: criteria provided, single submitter. Criteria: CeGaT Center For Human Genetics Tuebingen Variant Classification Criteria Version 2. Collection method: clinical testing. Allele origin: germline. Affected: yes. Observed: 1 variant allele.
Comment: HOMER2: BP4, BP7

Blueprint Genetics
Classification: Likely benign. Last evaluated: 2024-11-06. Review status: criteria provided, single submitter. Criteria: ACMG Guidelines, 2015. Collection method: clinical testing. Allele origin: germline.

GeneDx
Classification: Benign. Last evaluated: 2019-08-05. Review status: criteria provided, single submitter. Criteria: GeneDx Variant Classification Process June 2021. Collection method: clinical testing. Allele origin: germline. Affected: yes.

Breakthrough Genomics
Classification: Benign. Review status: criteria provided, single submitter. Criteria: ACMG Guidelines, 2015. Collection method: not provided. Allele origin: germline. Inheritance: Autosomal dominant inheritance. Affected: yes.

PreventionGenetics, part of Exact Sciences
Classification: Benign for HOMER2-related condition. Last evaluated: 2020-11-16. Review status: no assertion criteria provided. Collection method: clinical testing. Allele origin: germline. Not counted in ClinVar's aggregate classification.
Comment: This variant is classified as benign based on ACMG/AMP sequence variant interpretation guidelines (Richards et al. 2015 PMID: 25741868, with internal and published modifications).